The following is an entry in ClinVar:

ClinVar aggregate classification (germline): Uncertain significance (1 of 4 stars; one submission).

Submission:

CeGaT Center for Human Genetics Tuebingen
Classification: Uncertain significance. Last evaluated: 2025-05-01. Review status: criteria provided, single submitter. Criteria: CeGaT Center For Human Genetics Tuebingen Variant Classification Criteria Version 2. Collection method: clinical testing. Allele origin: germline. Affected: yes. Observed: 1 variant allele.
Comment: ATP1A3: PM2, PP2

NM_152296.5(ATP1A3):c.163C>T (p.His55Tyr)

Gene: ATP1A3 (ATPase Na+/K+ transporting subunit alpha 3; minus strand). Cytogenetic location: 19q13.2.
Variant type: single nucleotide variant.
Coding change: c.163C>T on transcript NM_152296.5 (MANE Select); coding-DNA position 163, C replaced by T.
Protein change: p.His55Tyr; replaces histidine 55 with tyrosine.
Molecular consequence: missense variant.
Genome position (GRCh38, 1-based): chr19:41,988,130, G>A on the plus strand (C>T on the coding strand, the complement: ATP1A3 is on the minus strand). VCF-style: chr19-41988130-G-A. GRCh37 (hg19) VCF-style: chr19-42492282-G-A.
Other names: c.196C>T, p.His66Tyr (NM_001256213.2); c.202C>T, p.His68Tyr (NM_001256214.2); short protein forms H55Y, H66Y, H68Y.
Identifiers: ClinVar variation 3905790 (VCV003905790.10).